The following is an entry in ClinVar:

NM_000135.4(FANCA):c.1527C>G (p.Asp509Glu)

Gene: FANCA (FA complementation group A; minus strand). Cytogenetic location: 16q24.3.
Variant type: single nucleotide variant.
Coding change: c.1527C>G on transcript NM_000135.4 (MANE Select); coding-DNA position 1527, C replaced by G.
Protein change: p.Asp509Glu; replaces aspartic acid 509 with glutamic acid.
Molecular consequence: missense variant.
Genome position (GRCh38, 1-based): chr16:89,783,046, G>C on the plus strand (C>G on the coding strand, the complement: FANCA is on the minus strand). VCF-style: chr16-89783046-G-C. GRCh37 (hg19) VCF-style: chr16-89849454-G-C.
Other names: c.1527C>G, p.Asp509Glu (NM_001286167.3); c.1527C>G (NM_000135.2); short protein forms D509E.
Identifiers: ClinVar variation 1376142 (VCV001376142.4), dbSNP rs755009951, ClinGen allele CA8252281.

ClinVar aggregate classification (germline): Uncertain significance. Review status: criteria provided, multiple submitters, no conflicts (2 of 4 stars). 2 submissions from 2 submitters: Uncertain significance (2). Last evaluated 2024-11-21.

Conditions:
Inborn genetic diseases. Identifiers: MedGen C0950123, MeSH D030342.
Fanconi anemia (FA). Also called: Fanconi's anemia. Identifiers: Orphanet 84, MedGen C0015625, MeSH D005199, MONDO:0019391.

Allele frequency attached by ClinVar (database versions not stated): gnomAD exomes below 0.00001 and 0.00001; ExAC 0.00001.
gnomAD v4.1: 7 of 1,613,716 alleles (0.00043%); highest among the groups gnomAD compares: Non-Finnish European, 0.00059%; no homozygotes.

Submissions (2):

Ambry Genetics
Classification: Uncertain significance for Inborn genetic diseases. Last evaluated: 2024-11-21. Review status: criteria provided, single submitter. Criteria: Ambry Variant Classification Scheme 2023. Collection method: clinical testing. Allele origin: germline.
Comment: The p.D509E variant (also known as c.1527C>G), located in coding exon 16 of the FANCA gene, results from a C to G substitution at nucleotide position 1527. The aspartic acid at codon 509 is replaced by glutamic acid, an amino acid with highly similar properties. This amino acid position is conserved. In addition, this alteration is predicted to be tolerated by in silico analysis. Based on the available evidence, the clinical significance of this variant remains unclear.

Labcorp Genetics (formerly Invitae), Labcorp
Classification: Uncertain significance for Fanconi anemia. Last evaluated: 2022-09-19. Review status: criteria provided, single submitter. Criteria: Invitae Variant Classification Sherloc (09022015). Collection method: clinical testing. Allele origin: germline.
Comment: This sequence change replaces aspartic acid, which is acidic and polar, with glutamic acid, which is acidic and polar, at codon 509 of the FANCA protein (p.Asp509Glu). This variant is present in population databases (rs755009951, gnomAD 0.0009%). This variant has not been reported in the literature in individuals affected with FANCA-related conditions. ClinVar contains an entry for this variant (Variation ID: 1376142). Advanced modeling of protein sequence and biophysical properties (such as structural, functional, and spatial information, amino acid conservation, physicochemical variation, residue mobility, and thermodynamic stability) performed at Invitae indicates that this missense variant is not expected to disrupt FANCA protein function. In summary, the available evidence is currently insufficient to determine the role of this variant in disease. Therefore, it has been classified as a Variant of Uncertain Significance.